The following is an entry in ClinVar:

ClinVar aggregate classification (germline): Benign (1 of 4 stars; one submission).

Allele frequency attached by ClinVar (database versions not stated): 1000 Genomes Project 0.93690; TOPMed 0.89508; 1000 Genomes Project 30x 0.92926.
gnomAD v4.1: 133,848 of 150,886 alleles (89%); highest among the groups gnomAD compares: East Asian, 99%; 59,369 homozygotes.

Submission:

GeneDx
Classification: Benign. Last evaluated: 2018-06-18. Review status: criteria provided, single submitter. Criteria: GeneDx Variant Classification (06012015). Collection method: clinical testing. Allele origin: germline. Affected: yes.
Comment: This variant is considered likely benign or benign based on one or more of the following criteria: it is a conservative change, it occurs at a poorly conserved position in the protein, it is predicted to be benign by multiple in silico algorithms, and/or has population frequency not consistent with disease.

NM_001035.3(RYR2):c.6555+309G>C

Gene: RYR2 (ryanodine receptor 2; plus strand). Cytogenetic location: 1q43.
Variant type: single nucleotide variant.
Coding change: c.6555+309G>C on transcript NM_001035.3 (MANE Select); 309 bases into the intron after coding-DNA position 6555, G replaced by C.
Molecular consequence: intron variant.
Genome position (GRCh38, 1-based): chr1:237,631,850, G>C. VCF-style: chr1-237631850-G-C. GRCh37 (hg19) VCF-style: chr1-237795150-G-C.
Identifiers: ClinVar variation 683784 (VCV000683784.1), dbSNP rs1759121, ClinGen allele CA10707508.